The following is an entry in ClinVar:

NM_003239.5(TGFB3):c.293C>T (p.Ser98Leu)

Gene: TGFB3 (transforming growth factor beta 3; minus strand). Cytogenetic location: 14q24.3.
Variant type: single nucleotide variant.
Coding change: c.293C>T on transcript NM_003239.5 (MANE Select); coding-DNA position 293, C replaced by T.
Protein change: p.Ser98Leu; replaces serine 98 with leucine.
Molecular consequence: missense variant.
Genome position (GRCh38, 1-based): chr14:75,980,601, G>A on the plus strand (C>T on the coding strand, the complement: TGFB3 is on the minus strand). VCF-style: chr14-75980601-G-A. GRCh37 (hg19) VCF-style: chr14-76446944-G-A.
Other names: p.Ser98Leu; c.293C>T, p.Ser98Leu (NM_001329938.2, NM_001329939.2); short protein forms S98L.
Identifiers: ClinVar variation 192131 (VCV000192131.66), dbSNP rs142047577, ClinGen allele CA238432.

ClinVar aggregate classification (germline): Conflicting classifications of pathogenicity. Review status: criteria provided, conflicting classifications (1 of 4 stars). 16 submissions from 16 submitters: Uncertain significance (1); Benign (3); Likely benign (11). 1 of the submissions does not count toward it. Last evaluated 2026-01-28.

Conditions:
TGFB3-related disorder. Also called: TGFB3-related condition.
Rienhoff syndrome. Also called: LOEYS-DIETZ SYNDROME 5. Identifiers: MedGen C3810012, MONDO:0014262, OMIM 615582.
Long QT syndrome (LQTS). Identifiers: MedGen C0023976, MeSH D008133, MONDO:0002442. Disease mechanism: loss of function. Inheritance: Various modes of inheritance.
Arrhythmogenic right ventricular cardiomyopathy (ARVD). Also called: Arrhythmogenic cardiomyopathy; Arrhythmogenic Right Ventricular Cardiomyopathy (ARVC); Cardiomyopathy, ARVC; Arrhythmogenic right ventricular dysplasia. Identifiers: Orphanet 247, MedGen C0349788, MeSH D019571, MONDO:0016587. Disease mechanism: loss of function. Inheritance: Various modes of inheritance.
Familial thoracic aortic aneurysm and aortic dissection (TAAD). Also called: Thoracic aortic aneurysms and dissections. Identifiers: Orphanet 91387, MedGen C4707243, MONDO:0019625.
Hypertrophic cardiomyopathy. Also called: HYPERTROPHIC MYOCARDIOPATHY. Identifiers: Orphanet 217569, MedGen C0007194, MeSH D002312, MONDO:0005045, HP:0001639.

Allele frequency attached by ClinVar (database versions not stated): 1000 Genomes Project 30x 0.00016; 1000 Genomes Project 0.00020; TOPMed 0.00048; ESP Exome Variant Server 0.00062; ExAC 0.00074; gnomAD 0.00092 and 0.00093.
gnomAD v4.1: 957 of 1,614,172 alleles (0.059%); highest among the groups gnomAD compares: Non-Finnish European, 0.055%; 5 homozygotes.

Submissions (16):

Labcorp Genetics (formerly Invitae), Labcorp
Classification: Likely benign for Rienhoff syndrome. Last evaluated: 2026-01-28. Review status: criteria provided, single submitter. Criteria: Invitae Variant Classification Sherloc (09022015). Collection method: clinical testing. Allele origin: germline.

CeGaT Center for Human Genetics Tuebingen
Classification: Likely benign. Last evaluated: 2025-11-01. Review status: criteria provided, single submitter. Criteria: CeGaT Center For Human Genetics Tuebingen Variant Classification Criteria Version 2. Collection method: clinical testing. Allele origin: germline. Affected: yes. Observed: 11 variant alleles.
Comment: TGFB3: BP4

Molecular Diagnostic Laboratory for Inherited Cardiovascular Disease, Montreal Heart Institute
Classification: Likely benign. Last evaluated: 2025-04-08. Review status: criteria provided, single submitter. Criteria: ACMG Guidelines, 2015. Collection method: clinical testing. Allele origin: germline. Affected: no.

Laboratory of Genetics, Children's Clinical University Hospital Latvia
Classification: Likely benign. Last evaluated: 2025-02-16. Review status: criteria provided, single submitter. Criteria: ACMG Guidelines, 2015. Collection method: clinical testing. Allele origin: germline. Affected: yes.

Blueprint Genetics
Classification: Likely benign. Last evaluated: 2024-11-17. Review status: criteria provided, single submitter. Criteria: ACMG Guidelines, 2015. Collection method: clinical testing. Allele origin: germline.

Women's Health and Genetics/Laboratory Corporation of America, LabCorp
Classification: Likely benign. Last evaluated: 2024-02-20. Review status: criteria provided, single submitter. Criteria: LabCorp Variant Classification Summary - May 2015. Collection method: clinical testing. Allele origin: germline.
Comment: Variant summary: TGFB3 c.293C>T (p.Ser98Leu) results in a non-conservative amino acid change located in the TGF-beta, propeptide domain (IPR001111) of the encoded protein sequence. Three of five in-silico tools predict a benign effect of the variant on protein function. The variant allele was found at a frequency of 0.00074 in 251496 control chromosomes in the gnomAD database, including 2 homozygotes. The observed variant frequency is approximately 119-fold of the estimated maximal expected allele frequency for a pathogenic variant in TGFB3 causing Arrhythmogenic Right Ventricular Dysplasia/Cardiomyopathy phenotype (6.3e-06), strongly suggesting that the variant is benign. c93C>T has been reported in the literature in individuals affected with left ventricular hypertrabeculation and dilated cardiomyopathy (Miszalski-Jamka_2017, Kuhnisch_2019). These report(s) do not provide unequivocal conclusions about association of the variant with Arrhythmogenic Right Ventricular Dysplasia/Cardiomyopathy. To our knowledge, no experimental evidence demonstrating an impact on protein function has been reported. The following publications have been ascertained in the context of this evaluation (PMID: 31568572, 28798025). ClinVar contains an entry for this variant (Variation ID: 192131). Based on the evidence outlined above, the variant was classified as likely benign.

Dept of Medical Biology, Uskudar University
Classification: Benign for Long QT syndrome. Last evaluated: 2024-01-08. Review status: criteria provided, single submitter. Criteria: Dept of Medical Biology Variant Classification. Collection method: research. Allele origin: unknown. Affected: yes. Observed: 1 variant allele.
Comment: Criteria: BS1, BS2

ARUP Laboratories, Molecular Genetics and Genomics, ARUP Laboratories
Classification: Likely benign. Last evaluated: 2021-10-07. Review status: criteria provided, single submitter. Criteria: ARUP Molecular Germline Variant Investigation Process 2021. Collection method: clinical testing. Allele origin: germline.

GeneDx
Classification: Likely benign. Last evaluated: 2021-06-18. Review status: criteria provided, single submitter. Criteria: GeneDx Variant Classification Process June 2021. Collection method: clinical testing. Allele origin: germline. Affected: yes.
Comment: This variant is associated with the following publications: (PMID: 23861362, 31110529, 25351510, 28798025, 27535533, 26582918)

Mayo Clinic Laboratories, Mayo Clinic
Classification: Benign. Last evaluated: 2021-03-23. Review status: criteria provided, single submitter. Criteria: ACMG Guidelines, 2015. Collection method: clinical testing. Allele origin: germline. Observed: 12 variant alleles.

Ambry Genetics
Classification: Likely benign for Familial thoracic aortic aneurysm and aortic dissection. Last evaluated: 2019-05-03. Review status: criteria provided, single submitter. Criteria: Ambry Variant Classification Scheme 2023. Collection method: clinical testing. Allele origin: germline.

CHEO Genetics Diagnostic Laboratory, Children's Hospital of Eastern Ontario
Classification: Benign for Familial thoracic aortic aneurysm and aortic dissection. Last evaluated: 2018-04-16. Review status: criteria provided, single submitter. Criteria: ACMG Guidelines, 2015. Collection method: clinical testing. Allele origin: germline.

Center for Advanced Laboratory Medicine, UC San Diego Health, University of California San Diego
Classification: Likely benign for Hypertrophic cardiomyopathy. Last evaluated: 2017-10-02. Review status: criteria provided, single submitter. Criteria: ACMG Guidelines, 2015. Collection method: clinical testing. Allele origin: germline. Affected: yes. Observed: 1 variant allele.

CSER _CC_NCGL, University of Washington
Classification: Uncertain significance for Arrhythmogenic right ventricular dysplasia. Last evaluated: 2016-10-01. Review status: criteria provided, single submitter. Criteria: Amendola et al. (Genome Res. 2015). Collection method: research. Allele origin: germline. Affected: no. Study: CSER - NEXT Medicine variant annotation.
Comment: This interpretation considers GERP score and allele frequency data, in addition to published reports of the variant in the literature, available at the time of review.

Biesecker Lab/Clinical Genomics Section, National Institutes of Health
Classification: Likely benign. Last evaluated: 2013-06-24. Review status: criteria provided, single submitter. Criteria: Ng et al. (Circ Cardiovasc Genet. 2013). Collection method: research. Allele origin: unknown. Observed: 3 variant alleles. Study: ClinSeq.
Comment: The study set was not selected for affection status in relation to any cancer. Pathogenicity categories were based on literature curation. See Pubmed ID:23861362 for details.

Medical sequencing

PreventionGenetics, part of Exact Sciences
Classification: Likely benign for TGFB3-related condition. Last evaluated: 2019-02-21. Review status: no assertion criteria provided. Collection method: clinical testing. Allele origin: germline. Not counted in ClinVar's aggregate classification.
Comment: This variant is classified as likely benign based on ACMG/AMP sequence variant interpretation guidelines (Richards et al. 2015 PMID: 25741868, with internal and published modifications).

Literature cited by the submitters: PubMed 28798025 (cited by Women's Health and Genetics/Laboratory Corporation of America, LabCorp); PubMed 31568572 (cited by Women's Health and Genetics/Laboratory Corporation of America, LabCorp).